The following is an entry in ClinVar:

ClinVar aggregate classification (germline): Likely benign. Review status: criteria provided, multiple submitters, no conflicts (2 of 4 stars). 4 submissions from 4 submitters: Likely benign (4). Last evaluated 2025-07-13.

Conditions:
Hypokalemic periodic paralysis, type 1. Also called: Hypokalemic Periodic Paralysis Type 1 (AD); HypoPP. Identifiers: Orphanet 681, MedGen C3714580, MONDO:0042979, OMIM 170400.
Potassium-aggravated myotonia. Also called: SODIUM CHANNEL MUSCLE DISEASE; Myotonia congenita, atypical, acetazolamide-responsive; MYOTONIA CONGENITA, ACETAZOLAMIDE-RESPONSIVE; MYOTONIA CONGENITA, ATYPICAL. Identifiers: Orphanet 612, Orphanet 99734, Orphanet 99735, Orphanet 99736, MedGen C2931826, MONDO:0018959, OMIM 608390.
Paramyotonia congenita of Von Eulenburg. Also called: Eulenburg disease; Myotonia congenita intermittens; Von Eulenburg paramyotonia congenita; Paramyotonia Congenita; PARALYSIS PERIODICA PARAMYOTONICA. Identifiers: Orphanet 684, MedGen C0221055, MONDO:0008195, OMIM 168300. Disease mechanism: loss of function.
Hypokalemic periodic paralysis, type 2 (HOKPP2). Identifiers: Orphanet 681, MedGen C2750061, MONDO:0013234, OMIM 613345.
Congenital myasthenic syndrome 16. Identifiers: Orphanet 590, MedGen C3280112, MONDO:0013620, OMIM 614198.
Hyperkalemic periodic paralysis. Also called: Familial hyperkalemic periodic paralysis; Gamstorp disease. Identifiers: Orphanet 682, MedGen C0238357, MONDO:0008224, OMIM 170500, HP:0007215.

Allele frequency attached by ClinVar (database versions not stated): gnomAD exomes 0.00005 and 0.00011; TOPMed 0.00007; gnomAD 0.00008 and 0.00009; ExAC 0.00007.

Submissions (4):

Labcorp Genetics (formerly Invitae), Labcorp
Classification: Likely benign for Hyperkalemic periodic paralysis. Last evaluated: 2025-07-13. Review status: criteria provided, single submitter. Criteria: Invitae Variant Classification Sherloc (09022015). Collection method: clinical testing. Allele origin: germline.

CeGaT Center for Human Genetics Tuebingen
Classification: Likely benign. Last evaluated: 2025-07-01. Review status: criteria provided, single submitter. Criteria: CeGaT Center For Human Genetics Tuebingen Variant Classification Criteria Version 2. Collection method: clinical testing. Allele origin: germline. Affected: yes. Observed: 2 variant alleles.
Comment: SCN4A: BP4, BP7

Fulgent Genetics
Classification: Likely benign for Paramyotonia congenita of Von Eulenburg; Hypokalemic periodic paralysis, type 1; Hyperkalemic periodic paralysis; Potassium-aggravated myotonia; Hypokalemic periodic paralysis, type 2; Congenital myasthenic syndrome 16. Last evaluated: 2022-04-24. Review status: criteria provided, single submitter. Criteria: ACMG Guidelines, 2015. Collection method: clinical testing. Allele origin: unknown.

GeneDx
Classification: Likely benign. Last evaluated: 2018-10-15. Review status: criteria provided, single submitter. Criteria: GeneDx Variant Classification Process June 2021. Collection method: clinical testing. Allele origin: germline. Affected: yes.

NM_000334.4(SCN4A):c.2130C>T (p.Ile710=)

Genes: GH-LCR (growth hormone locus control region; plus strand), SCN4A (sodium voltage-gated channel alpha subunit 4; minus strand). Cytogenetic location: 17q23.3.
Variant type: single nucleotide variant.
Coding change: c.2130C>T on transcript NM_000334.4 (MANE Select); coding-DNA position 2130, C replaced by T.
Protein change: p.Ile710=; no amino-acid change (isoleucine 710 retained).
Molecular consequence: synonymous variant.
Genome position (GRCh38, 1-based): chr17:63,957,408, G>A on the plus strand (C>T on the coding strand, the complement: SCN4A is on the minus strand). VCF-style: chr17-63957408-G-A. GRCh37 (hg19) VCF-style: chr17-62034768-G-A.
Identifiers: ClinVar variation 383606 (VCV000383606.24), dbSNP rs776552053, ClinGen allele CA8709656.